The following is an entry in ClinVar:

ClinVar aggregate classification (germline): Conflicting classifications of pathogenicity. Review status: criteria provided, conflicting classifications (1 of 4 stars). 5 submissions from 5 submitters: Likely pathogenic (1); Uncertain significance (4). Last evaluated 2024-09-10.

Conditions:
Cardiovascular phenotype. Identifiers: MedGen CN230736.
MYH7-related disorder. Also called: MYH7-related condition; MYH7-related disease; MYH7-related disorders.
Hypertrophic cardiomyopathy 1 (CMH1). Also called: Familial hypertrophic cardiomyopathy 1; MYH7-Related Familial Hypertrophic Cardiomyopathy. Identifiers: MedGen C3495498, MONDO:0008647, OMIM 192600.
Hypertrophic cardiomyopathy. Also called: HYPERTROPHIC MYOCARDIOPATHY. Identifiers: Orphanet 217569, MedGen C0007194, MeSH D002312, MONDO:0005045, HP:0001639.

Submissions (5):

Institute of Human Genetics, University of Leipzig Medical Center
Classification: Uncertain significance for Hypertrophic cardiomyopathy 1. Last evaluated: 2024-09-10. Review status: criteria provided, single submitter. Criteria: ACMG Guidelines, 2015. Collection method: clinical testing. Allele origin: unknown. Inheritance: Autosomal dominant inheritance. Affected: yes.
Comment: Criteria applied: PM2_SUP

Ambry Genetics
Classification: Uncertain significance for Cardiovascular phenotype. Last evaluated: 2024-06-28. Review status: criteria provided, single submitter. Criteria: Ambry Variant Classification Scheme 2023. Collection method: clinical testing. Allele origin: germline.
Comment: The p.A1400G variant (also known as c.4199C>G), located in coding exon 29 of the MYH7 gene, results from a C to G substitution at nucleotide position 4199. The alanine at codon 1400 is replaced by glycine, an amino acid with similar properties. This variant has been detected in a hypertrophic cardiomyopathy cohort; however, details were limited (Viswanathan SK et al. PLoS ONE, 2017 Nov;12:e0187948). This amino acid position is highly conserved in available vertebrate species. In addition, the in silico prediction for this alteration is inconclusive. Since supporting evidence is limited at this time, the clinical significance of this alteration remains unclear.

Labcorp Genetics (formerly Invitae), Labcorp
Classification: Uncertain significance for Hypertrophic cardiomyopathy. Last evaluated: 2024-04-04. Review status: criteria provided, single submitter. Criteria: Invitae Variant Classification Sherloc (09022015). Collection method: clinical testing. Allele origin: germline.
Comment: This sequence change replaces alanine, which is neutral and non-polar, with glycine, which is neutral and non-polar, at codon 1400 of the MYH7 protein (p.Ala1400Gly). This variant is not present in population databases (gnomAD no frequency). This missense change has been observed in individual(s) with hypertrophic cardiomyopathy (PMID: 29121657). ClinVar contains an entry for this variant (Variation ID: 181248). Advanced modeling of protein sequence and biophysical properties (such as structural, functional, and spatial information, amino acid conservation, physicochemical variation, residue mobility, and thermodynamic stability) performed at Invitae indicates that this missense variant is expected to disrupt MYH7 protein function with a positive predictive value of 95%. In summary, the available evidence is currently insufficient to determine the role of this variant in disease. Therefore, it has been classified as a Variant of Uncertain Significance.

Blueprint Genetics
Classification: Likely pathogenic for MYH7-related disorders. Last evaluated: 2021-10-29. Review status: criteria provided, single submitter. Criteria: ACMG Guidelines, 2015. Collection method: clinical testing. Allele origin: germline. Affected: yes. Observed: 1 variant allele.

GeneDx
Classification: Uncertain significance. Last evaluated: 2019-04-10. Review status: criteria provided, single submitter. Criteria: GeneDx Variant Classification Process June 2021. Collection method: clinical testing. Allele origin: germline. Affected: yes.
Comment: Not observed [at a significant frequency] in large population cohorts (Lek et al., 2016); In silico analysis, which includes protein predictors and evolutionary conservation, supports a deleterious effect; This variant is associated with the following publications: (PMID: 29121657)

Literature cited by the submitters: PubMed 29121657 (cited by Ambry Genetics and Labcorp Genetics (formerly Invitae), Labcorp).

NM_000257.4(MYH7):c.4199C>G (p.Ala1400Gly)

Gene: MYH7 (myosin heavy chain 7; minus strand). Cytogenetic location: 14q11.2.
Variant type: single nucleotide variant.
Coding change: c.4199C>G on transcript NM_000257.4 (MANE Select); coding-DNA position 4199, C replaced by G.
Protein change: p.Ala1400Gly; replaces alanine 1400 with glycine.
Molecular consequence: missense variant.
Genome position (GRCh38, 1-based): chr14:23,417,657, G>C on the plus strand (C>G on the coding strand, the complement: MYH7 is on the minus strand). VCF-style: chr14-23417657-G-C. GRCh37 (hg19) VCF-style: chr14-23886866-G-C.
Other names: p.A1400G:GCT>GGT; c.4199C>G (LRG_384t1); short protein forms A1400G.
Identifiers: ClinVar variation 181248 (VCV000181248.17), dbSNP rs730880794, ClinGen allele CA014630.